The following is an entry in ClinVar:

NM_006363.6(SEC23B):c.1489C>T (p.Arg497Cys)

Gene: SEC23B (SEC23 homolog B, COPII component; plus strand). Cytogenetic location: 20p11.23.
Variant type: single nucleotide variant.
Coding change: c.1489C>T on transcript NM_006363.6 (MANE Select); coding-DNA position 1489, C replaced by T.
Protein change: p.Arg497Cys; replaces arginine 497 with cysteine.
Molecular consequence: missense variant.
Genome position (GRCh38, 1-based): chr20:18,542,380, C>T. VCF-style: chr20-18542380-C-T. GRCh37 (hg19) VCF-style: chr20-18523024-C-T.
Other names: c.1489C>T, p.Arg497Cys (NM_001172745.3, NM_032985.6, NM_032986.5); c.1435C>T, p.Arg479Cys (NM_001172746.3); short protein forms R497C, R479C.
Identifiers: ClinVar variation 167667 (VCV000167667.24), dbSNP rs727504145, ClinGen allele CA234906.

ClinVar aggregate classification (germline): Pathogenic. Review status: criteria provided, multiple submitters, no conflicts (2 of 4 stars). 9 submissions from 9 submitters: Pathogenic (8). 1 of the submissions does not count toward it. Last evaluated 2025-12-15.

Conditions:
SEC23B-related disorder. Also called: SEC23B-related condition; SEC23B-related disorders.
Congenital dyserythropoietic anemia, type II (CDAN2). Also called: DYSERYTHROPOIETIC ANEMIA, HEMPAS TYPE. Identifiers: Orphanet 98873, MedGen C1306589, MONDO:0009134, OMIM 224100.
Cowden syndrome 7 (CWS7). Identifiers: Orphanet 201, MedGen C4225179, MONDO:0014802, OMIM 616858.

Allele frequency attached by ClinVar (database versions not stated): gnomAD exomes 0.00002; TOPMed 0.00003; ExAC 0.00002; gnomAD 0.00004.
gnomAD v4.1: 35 of 1,614,086 alleles (0.0022%); highest among the groups gnomAD compares: Non-Finnish European, 0.0026%; no homozygotes.

Submissions (9):

Labcorp Genetics (formerly Invitae), Labcorp
Classification: Pathogenic for Congenital dyserythropoietic anemia, type II; Cowden syndrome 7. Last evaluated: 2025-12-15. Review status: criteria provided, single submitter. Criteria: Invitae Variant Classification Sherloc (09022015). Collection method: clinical testing. Allele origin: germline.
Comment: This sequence change replaces arginine, which is basic and polar, with cysteine, which is neutral and slightly polar, at codon 497 of the SEC23B protein (p.Arg497Cys). This variant is present in population databases (rs727504145, gnomAD 0.006%). This missense change has been observed in individual(s) with congenital dyserythropoietic anemia type II (PMID: 19561605, 19621418, 20015893, 27471141). ClinVar contains an entry for this variant (Variation ID: 167667). Invitae Evidence Modeling of protein sequence and biophysical properties (such as structural, functional, and spatial information, amino acid conservation, physicochemical variation, residue mobility, and thermodynamic stability) indicates that this missense variant is expected to disrupt SEC23B protein function with a positive predictive value of 95%. For these reasons, this variant has been classified as Pathogenic.

Revvity Omics, Revvity
Classification: Pathogenic. Last evaluated: 2025-06-03. Review status: criteria provided, single submitter. Criteria: ACMG Guidelines, 2015. Collection method: clinical testing. Allele origin: germline.

3billion
Classification: Pathogenic for Congenital dyserythropoietic anemia, type II. Last evaluated: 2025-05-28. Review status: criteria provided, single submitter. Criteria: ACMG Guidelines, 2015. Collection method: clinical testing. Allele origin: germline. Affected: yes.
Comment: The variant is observed at an extremely low frequency in the gnomAD v4.1.0 dataset (total allele frequency: 0.002%). Predicted Consequence/Location: Missense variant. The majority of the known disease-causing variants of this gene are variants expected to result in premature termination of the protein. In silico tool predictions suggest damaging effect of the variant on gene or gene product [REVEL: 0.91 (>=0.6, sensitivity 0.68 and specificity 0.92); 3Cnet: 0.99 (> 0.75, sensitivity 0.96 and precision 0.92)]. The same nucleotide change resulting in the same amino acid change has been previously reported as pathogenic/likely pathogenic with strong evidence (ClinVar ID: VCV000167667 /PMID: 19561605). The variant has been reported to be in trans with a pathogenic variant as either compound heterozygous or homozygous in at least 2 similarly affected unrelated individuals (PMID: 27471141). Therefore, this variant is classified as Pathogenic according to the recommendation of ACMG/AMP guideline.

Fulgent Genetics
Classification: Pathogenic for Congenital dyserythropoietic anemia, type II; Cowden syndrome 7. Last evaluated: 2024-05-06. Review status: criteria provided, single submitter. Criteria: ACMG Guidelines, 2015. Collection method: clinical testing. Allele origin: germline.

Blueprint Genetics
Classification: Pathogenic for SEC23B-related disorders. Last evaluated: 2023-09-28. Review status: criteria provided, single submitter. Criteria: ACMG Guidelines, 2015. Collection method: clinical testing. Allele origin: germline. Affected: yes. Observed: 4 variant alleles.

Mayo Clinic Laboratories, Mayo Clinic
Classification: Pathogenic. Last evaluated: 2023-08-25. Review status: criteria provided, single submitter. Criteria: ACMG Guidelines, 2015. Collection method: clinical testing. Allele origin: germline. Observed: 1 variant allele.
Comment: PP3, PM2_moderate, PM3_very_strong, PS4_moderate

Illumina Laboratory Services, Illumina
Classification: Pathogenic for Congenital dyserythropoietic anemia, type II. Last evaluated: 2018-10-31. Review status: criteria provided, single submitter. Criteria: ICSL Variant Classification Criteria 09 May 2019. Collection method: clinical testing. Allele origin: germline.
Comment: The SEC23B c.1489C>T (p.Arg497Cys) variant has been reported in five studies and in a total of nine individuals with dyserythropoietic anemia including one individual in a homozygous state and eight individuals in a compound heterozygous state (Schwarz et al. 2009, Bianchi et al. 2009, Iolascon et al. 2010, Russo et al. 2010, Russo et al. 2013). The variant was absent from 407 controls and is reported at a frequency of 0.000032 in the European (non-Finnish) population of the Genome Aggregation Database. The Arg497 amino acid residue is conserved among several species. Based on the evidence, the p.Arg497Cys variant is classified as pathogenic for congenital dyserythropoietic anemia. This variant was observed by ICSL as part of a predisposition screen in an ostensibly healthy population.

Eurofins Ntd Llc (ga)
Classification: Pathogenic. Last evaluated: 2014-01-23. Review status: criteria provided, single submitter. Criteria: EGL Classification Definitions 2015. Collection method: clinical testing. Allele origin: germline. Observed: 1 variant allele, 1 heterozygote.

PreventionGenetics, part of Exact Sciences
Classification: Pathogenic for SEC23B-related condition. Last evaluated: 2024-09-20. Review status: no assertion criteria provided. Collection method: clinical testing. Allele origin: germline. Not counted in ClinVar's aggregate classification.
Comment: The SEC23B c.1489C>T variant is predicted to result in the amino acid substitution p.Arg497Cys. This variant has been reported, along with another variant in SEC23B (phase not confirmed) and in the compound heterozygous and homozygous states, in individuals with congenital dyserythropoietic anemia type II (Bianchi et al. 2009. PubMed: 19621418; Supplemental Table 3, Schwarz et al. 2009. PubMed ID: 19561605; Iolascon et al. 2010. PubMed: 20015893; Russo et al. 2010. PubMed ID: 20941788; Russo et al. 2010. PubMed ID: 20941788; Unal et al. 2014. PubMed ID: 24724984; Table S3, Bianchi et al. 2016. PubMed ID: 27471141). This variant is reported in 0.0065% of alleles in individuals of South Asian descent in gnomAD. This variant is interpreted as pathogenic.

Literature cited by the submitters: PubMed 19561605 (cited by 5 submitters); PubMed 19621418 (cited by 3 submitters); PubMed 20015893 (cited by 3 submitters); PubMed 27471141 (cited by 3 submitters); PubMed 20941788 (cited by Mayo Clinic Laboratories, Mayo Clinic and Illumina Laboratory Services, Illumina); PubMed 23453696 (cited by Mayo Clinic Laboratories, Mayo Clinic and Illumina Laboratory Services, Illumina); PubMed 24724984 (cited by Mayo Clinic Laboratories, Mayo Clinic); PubMed 31589614 (cited by Mayo Clinic Laboratories, Mayo Clinic); PubMed 34426522 (cited by Mayo Clinic Laboratories, Mayo Clinic).